The following is an entry in ClinVar:

NM_001267550.2(TTN):c.93322A>G (p.Ile31108Val)

Genes: TTN (titin; minus strand), TTN-AS1 (TTN antisense RNA 1; plus strand). Cytogenetic location: 2q31.2.
Variant type: single nucleotide variant.
Coding change: c.93322A>G on transcript NM_001267550.2 (MANE Select); coding-DNA position 93322, A replaced by G.
Protein change: p.Ile31108Val; replaces isoleucine 31108 with valine.
Molecular consequence: missense variant.
Genome position (GRCh38, 1-based): chr2:178,548,304, T>C on the plus strand (A>G on the coding strand, the complement: TTN is on the minus strand). VCF-style: chr2-178548304-T-C. GRCh37 (hg19) VCF-style: chr2-179413031-T-C.
Other names: c.85618A>G, p.Ile28540Val (NM_133378.4); c.88399A>G, p.Ile29467Val (NM_001256850.1); c.66127A>G, p.Ile22043Val (NM_003319.4); c.66502A>G, p.Ile22168Val (NM_133432.3); c.66703A>G, p.Ile22235Val (NM_133437.4); c.93322A>G (NM_001267550.1); short protein forms I28540V, I31108V, I22235V, I22168V, I22043V, I29467V.
Identifiers: ClinVar variation 179316 (VCV000179316.9), dbSNP rs727504787, ClinGen allele CA184185.

ClinVar aggregate classification (germline): Uncertain significance. Review status: criteria provided, multiple submitters, no conflicts (2 of 4 stars). 3 submissions from 3 submitters: Uncertain significance (3). Last evaluated 2025-03-07.

Allele frequency attached by ClinVar (database versions not stated): gnomAD exomes 0.00001; gnomAD 0.00001; TOPMed 0.00004.
gnomAD v4.1: 17 of 1,613,742 alleles (0.0011%); highest among the groups gnomAD compares: Admixed American, 0.0033%; no homozygotes.

Submissions (3):

GeneDx
Classification: Uncertain significance. Last evaluated: 2025-03-07. Review status: criteria provided, single submitter. Criteria: GeneDx Variant Classification Process June 2021. Collection method: clinical testing. Allele origin: germline. Affected: yes.
Comment: Not observed at significant frequency in large population cohorts (gnomAD); Missense variant in a gene in which most reported pathogenic variants are truncating/loss of function; Has not been previously published as pathogenic or benign to our knowledge

Revvity Omics, Revvity
Classification: Uncertain significance. Last evaluated: 2020-04-03. Review status: criteria provided, single submitter. Criteria: ACMG Guidelines, 2015. Collection method: clinical testing. Allele origin: germline.

Laboratory for Molecular Medicine, Mass General Brigham Personalized Medicine
Classification: Uncertain significance. Last evaluated: 2013-10-25. Review status: criteria provided, single submitter. Criteria: LMM Criteria. Collection method: clinical testing. Allele origin: germline. Observed: 1 variant allele.
Comment: Variant classified as Uncertain Significance - Favor Benign. The Ile28540Val var iant in TTN has not been reported in individuals with cardiomyopathy or in large population studies. Isoleucine (Ile) at position 28540 is not conserved in mamm als or across evolutionarily distant species and five other species (mouse lemur , bushbaby, chicken, zebra finch, and lizard) have a valine (Val) at this positi on suggesting that this change is tolerated. Computational analyses (biochemical amino acid properties, conservation, AlignGVGD, PolyPhen2, and SIFT) suggest th at the Ile28540Val variant may not impact the protein, though this information i s not predictive enough to rule out pathogenicity. Additional information is nee ded to fully assess the clinical significance of the Ile28540Val variant.